The following is an entry in ClinVar:

ClinVar aggregate classification (germline): Likely benign. Review status: criteria provided, multiple submitters, no conflicts (2 of 4 stars). 4 submissions from 4 submitters: Likely benign (4). Last evaluated 2025-12-15.

Conditions:
Multiple congenital anomalies-hypotonia-seizures syndrome 1 (MCAHS1). Also called: GLYCOSYLPHOSPHATIDYLINOSITOL BIOSYNTHESIS DEFECT 3; PIGN-CDG; Congenital disorder of glycosylation due to PIGN deficiency. Identifiers: Orphanet 280633, MedGen C3279775, MONDO:0013563, OMIM 614080.

Allele frequency attached by ClinVar (database versions not stated): ESP Exome Variant Server 0.00008; gnomAD exomes 0.00010 and 0.00017; ExAC 0.00011; TOPMed 0.00013; gnomAD 0.00018 and 0.00019; 1000 Genomes Project 30x 0.00031.
gnomAD v4.1: 297 of 1,609,362 alleles (0.018%); highest among the groups gnomAD compares: Middle Eastern, 0.033%; 1 homozygote.

Submissions (4):

Labcorp Genetics (formerly Invitae), Labcorp
Classification: Likely benign for Multiple congenital anomalies-hypotonia-seizures syndrome 1. Last evaluated: 2025-12-15. Review status: criteria provided, single submitter. Criteria: Invitae Variant Classification Sherloc (09022015). Collection method: clinical testing. Allele origin: germline.

Blueprint Genetics
Classification: Likely benign. Last evaluated: 2024-05-21. Review status: criteria provided, single submitter. Criteria: ACMG Guidelines, 2015. Collection method: clinical testing. Allele origin: germline.

CeGaT Center for Human Genetics Tuebingen
Classification: Likely benign. Last evaluated: 2023-05-01. Review status: criteria provided, single submitter. Criteria: CeGaT Center For Human Genetics Tuebingen Variant Classification Criteria Version 2. Collection method: clinical testing. Allele origin: germline. Affected: yes. Observed: 2 variant alleles.
Comment: PIGN: BP4, BP7

GeneDx
Classification: Likely benign. Last evaluated: 2020-01-21. Review status: criteria provided, single submitter. Criteria: GeneDx Variant Classification Process June 2021. Collection method: clinical testing. Allele origin: germline. Affected: yes.

NM_176787.5(PIGN):c.1707C>T (p.Thr569=)

Gene: PIGN (phosphatidylinositol glycan anchor biosynthesis class N; minus strand). Cytogenetic location: 18q21.33.
Variant type: single nucleotide variant.
Coding change: c.1707C>T on transcript NM_176787.5 (MANE Select); coding-DNA position 1707, C replaced by T.
Protein change: p.Thr569=; no amino-acid change (threonine 569 retained).
Molecular consequence: synonymous variant.
Genome position (GRCh38, 1-based): chr18:62,106,849, G>A on the plus strand (C>T on the coding strand, the complement: PIGN is on the minus strand). VCF-style: chr18-62106849-G-A. GRCh37 (hg19) VCF-style: chr18-59774082-G-A.
Other names: c.1707C>T, p.Thr569= (NM_012327.6).
Identifiers: ClinVar variation 707561 (VCV000707561.37), dbSNP rs375845698, ClinGen allele CA8982194.